The following is an entry in ClinVar:

ClinVar aggregate classification (germline): Benign (0 of 4 stars; one submission).

Conditions:
SLC28A1-related disorder. Also called: SLC28A1-related condition.

Allele frequency attached by ClinVar (database versions not stated): 1000 Genomes Project 30x 0.20800; 1000 Genomes Project 0.20807; TOPMed 0.32305; gnomAD 0.34368; ESP Exome Variant Server 0.36404; ExAC 0.37536; gnomAD exomes 0.45084.
gnomAD v4.1: 710,088 of 1,613,130 alleles (44%); highest among the groups gnomAD compares: Middle Eastern, 57%; 169,648 homozygotes.

Submission:

PreventionGenetics, part of Exact Sciences
Classification: Benign for SLC28A1-related condition. Last evaluated: 2019-10-30. Review status: no assertion criteria provided. Collection method: clinical testing. Allele origin: germline.
Comment: This variant is classified as benign based on ACMG/AMP sequence variant interpretation guidelines (Richards et al. 2015 PMID: 25741868, with internal and published modifications).

NM_004213.5(SLC28A1):c.1561G>A (p.Asp521Asn)

Gene: SLC28A1 (solute carrier family 28 member 1; plus strand). Cytogenetic location: 15q25.3.
Variant type: single nucleotide variant.
Coding change: c.1561G>A on transcript NM_004213.5 (MANE Select); coding-DNA position 1561, G replaced by A.
Protein change: p.Asp521Asn; replaces aspartic acid 521 with asparagine.
Molecular consequence: missense variant. On other transcripts: intron variant (1).
Genome position (GRCh38, 1-based): chr15:84,935,498, G>A. VCF-style: chr15-84935498-G-A. GRCh37 (hg19) VCF-style: chr15-85478729-G-A.
Other names: c.1561G>A, p.Asp521Asn (NM_001287762.2, NM_001321721.2, NM_001321722.2); c.1084-7947G>A (NM_001287761.2); short protein forms D521N.
Identifiers: ClinVar variation 3059229 (VCV003059229.2), dbSNP rs2242046, ClinGen allele CA7710852.